The following is an entry in ClinVar:

NM_001394998.1(TANC2):c.2389A>G (p.Ile797Val)

Gene: TANC2 (tetratricopeptide repeat, ankyrin repeat and coiled-coil containing 2; plus strand). Cytogenetic location: 17q23.3.
Variant type: single nucleotide variant.
Coding change: c.2389A>G on transcript NM_001394998.1 (MANE Select); coding-DNA position 2389, A replaced by G.
Protein change: p.Ile797Val; replaces isoleucine 797 with valine.
Molecular consequence: missense variant.
Genome position (GRCh38, 1-based): chr17:63,355,197, A>G. VCF-style: chr17-63355197-A-G. GRCh37 (hg19) VCF-style: chr17-61432558-A-G.
Other names: c.2167A>G, p.Ile723Val (NM_001411076.1, NM_025185.4); short protein forms I723V, I797V.
Identifiers: ClinVar variation 1803350 (VCV001803350.1), dbSNP rs1223831328, ClinGen allele CA400524620.

ClinVar aggregate classification (germline): Uncertain significance (1 of 4 stars; one submission).

Allele frequency attached by ClinVar (database versions not stated): gnomAD 0.00001; TOPMed 0.00001.
gnomAD v4.1: 2 of 1,613,724 alleles (0.00012%); highest among the groups gnomAD compares: Non-Finnish European, 0.00017%; no homozygotes.

Submission:

GeneDx
Classification: Uncertain significance. Last evaluated: 2022-06-09. Review status: criteria provided, single submitter. Criteria: GeneDx Variant Classification Process June 2021. Collection method: clinical testing. Allele origin: germline. Affected: yes.
Comment: Not observed at significant frequency in large population cohorts (gnomAD); In silico analysis supports that this missense variant does not alter protein structure/function; Has not been previously published as pathogenic or benign to our knowledge